The following is an entry in ClinVar:

ClinVar aggregate classification (germline): Likely benign. Review status: criteria provided, multiple submitters, no conflicts (2 of 4 stars). 2 submissions from 2 submitters: Likely benign (2). Last evaluated 2025-10-19.

gnomAD v4.1: 8 of 1,614,032 alleles (0.0005%); highest among the groups gnomAD compares: Non-Finnish European, 0.00059%; no homozygotes.

Submissions (2):

Labcorp Genetics (formerly Invitae), Labcorp
Classification: Likely benign. Last evaluated: 2025-10-19. Review status: criteria provided, single submitter. Criteria: Invitae Variant Classification Sherloc (09022015). Collection method: clinical testing. Allele origin: germline.

Mayo Clinic Laboratories, Mayo Clinic
Classification: Likely benign. Last evaluated: 2025-09-09. Review status: criteria provided, single submitter. Criteria: ACMG Guidelines, 2015. Collection method: clinical testing. Allele origin: germline. Observed: 1 variant allele.
Comment: BP4, BP7

NM_015559.3(SETBP1):c.3411A>T (p.Val1137=)

Gene: SETBP1 (SET binding protein 1; plus strand). Cytogenetic location: 18q12.3.
Variant type: single nucleotide variant.
Coding change: c.3411A>T on transcript NM_015559.3 (MANE Select); coding-DNA position 3411, A replaced by T.
Protein change: p.Val1137=; no amino-acid change (valine 1137 retained).
Molecular consequence: synonymous variant.
Genome position (GRCh38, 1-based): chr18:44,952,751, A>T. VCF-style: chr18-44952751-A-T. GRCh37 (hg19) VCF-style: chr18-42532716-A-T.
Other names: p.Val1137=; c.3411A>T, p.Val1137= (NM_001379141.1, NM_001379142.1, NM_001410862.1).
Identifiers: ClinVar variation 4684281 (VCV004684281.2).